The following is an entry in ClinVar:

NM_001042492.3(NF1):c.4013del (p.Asn1338fs)

Gene: NF1 (neurofibromin 1; plus strand). Cytogenetic location: 17q11.2.
Variant type: Deletion.
Coding change: c.4013del on transcript NM_001042492.3 (MANE Select); coding-DNA position 4013, one base deleted (A; older notation c.4013delA).
Protein change: p.Asn1338fs; shifts the reading frame from asparagine 1338.
Molecular consequence: frameshift variant.
Genome position (GRCh38, 1-based): chr17:31,249,022, A deleted; the last of 2 consecutive A bases (chr17:31,249,021-31,249,022); deleting either gives the same sequence. VCF-style (leftmost placement, unchanged base first): chr17-31249020-GA-G. GRCh37 (hg19) VCF-style: chr17-29576038-GA-G.
Other names: c.4013delA, p.Asn1338Thrfs (NM_000267.4); short protein forms N1338fs.
Identifiers: ClinVar variation 3242195 (VCV003242195.1), dbSNP rs2508351352.

ClinVar aggregate classification (germline): Likely pathogenic (1 of 4 stars; one submission).

Conditions:
Neurofibromatosis, type 1 (NF1). Also called: VON RECKLINGHAUSEN DISEASE; Neurofibromatosis, type I; Peripheral type neurofibromatosis; NEUROFIBROMATOSIS, TYPE I, SOMATIC. Identifiers: Orphanet 636, MedGen C0027831, MONDO:0018975, OMIM 162200. Disease mechanism: loss of function.

Submission:

Neuberg Centre For Genomic Medicine, NCGM
Classification: Likely pathogenic for Neurofibromatosis, type 1. Review status: criteria provided, single submitter. Criteria: ACMG Guidelines, 2015. Collection method: clinical testing. Allele origin: germline. Inheritance: Autosomal dominant inheritance. Affected: yes.
Comment: The frameshift variant c.4013del(p.Asn1338ThrfsTer5) in NF1 gene has not been reported previously as a pathogenic variant nor as a benign variant, to our knowledge. The variant is absent in gnomAD and 1000 Genomes. This variant causes a frameshift starting with codon Asparagine 1338, changes this amino acid to Threonine residue, and creates a premature Stop codon at position 5 of the new reading frame, denoted p.Asn1338ThrfsTer5. This variant is predicted to cause loss of normal protein function through protein truncation. Loss of function variants have been previously reported to be disease causing (Sabbagh A, et al., 2013). For these reasons, this variant has been classified as Likely Pathogenic.